The following is an entry in ClinVar:

NM_001009944.3(PKD1):c.6185A>T (p.Gln2062Leu)

Gene: PKD1 (polycystin 1, transient receptor potential channel interacting; minus strand). Cytogenetic location: 16p13.3.
Variant type: single nucleotide variant.
Coding change: c.6185A>T on transcript NM_001009944.3 (MANE Select); coding-DNA position 6185, A replaced by T.
Protein change: p.Gln2062Leu; replaces glutamine 2062 with leucine.
Molecular consequence: missense variant.
Genome position (GRCh38, 1-based): chr16:2,108,982, T>A on the plus strand (A>T on the coding strand, the complement: PKD1 is on the minus strand). VCF-style: chr16-2108982-T-A. GRCh37 (hg19) VCF-style: chr16-2158983-T-A.
Other names: c.6185A>T, p.Gln2062Leu (NM_000296.4); c.6185A>T (NM_000296.3, NM_001009944.2); short protein forms Q2062L.
Identifiers: ClinVar variation 993655 (VCV000993655.40), dbSNP rs201062488, ClinGen allele CA7831687.

ClinVar aggregate classification (germline): Conflicting classifications of pathogenicity. Review status: criteria provided, conflicting classifications (1 of 4 stars). 8 submissions from 8 submitters: Uncertain significance (5); Likely benign (2). 1 of the submissions does not count toward it. Last evaluated 2026-05-25.

Conditions:
Inborn genetic diseases. Identifiers: MedGen C0950123, MeSH D030342.
Polycystic kidney disease, adult type (PKD1). Also called: Polycystic Kidney, Autosomal Dominant; POLYCYSTIC KIDNEY DISEASE, ADULT, TYPE I; Polycystic Kidney Disease 1, Autosomal Dominant; Polycystic kidney disease 1; Polycystic kidney disease 1, severe; POLYCYSTIC KIDNEY DISEASE 1 WITH OR WITHOUT POLYCYSTIC LIVER DISEASE. Identifiers: MedGen C3149841, MONDO:0008263, OMIM 173900.
PKD1-related disorder. Also called: PKD1-related condition.
Polycystic kidney disease. Also called: Kidney, Polycystic; Polycystic kidney dysplasia. Identifiers: MedGen C0022680, MeSH D007690, MONDO:0020642, HP:0000113.

Allele frequency attached by ClinVar (database versions not stated): TOPMed 0.00010; gnomAD 0.00011; ESP Exome Variant Server 0.00015.
gnomAD v4.1: 276 of 1,610,228 alleles (0.017%); highest among the groups gnomAD compares: Middle Eastern, 0.041%; no homozygotes.

Submissions (8):

PreventionGenetics, part of Exact Sciences
Classification: Uncertain significance for PKD1-related condition. Last evaluated: 2026-05-25. Review status: criteria provided, single submitter. Criteria: ACMG Guidelines, 2015. Collection method: clinical testing. Allele origin: germline.
Comment: The PKD1 c.6185A>T variant is predicted to result in the amino acid substitution p.Gln2062Leu. To our knowledge, this variant has not been reported in the literature. This variant is reported in 0.027% of alleles in individuals of European (Non-Finnish) descent in gnomAD, which is likely too frequent to be a primary cause of disease. The REVEL (rare exome variant ensemble learner) program predicts this variant is benign at a "supporting" level (Ioannidis et al. 2016. PubMed ID: 27666373; Bergquist et al. 2024. PubMed ID: 39345488). Although we suspect that this variant may be benign, at this time, the clinical significance of this variant is uncertain due to the absence of conclusive functional and genetic evidence.

Women's Health and Genetics/Laboratory Corporation of America, LabCorp
Classification: Uncertain significance. Last evaluated: 2026-02-02. Review status: criteria provided, single submitter. Criteria: LabCorp Variant Classification Summary - May 2015. Collection method: clinical testing. Allele origin: germline.
Comment: Variant summary: PKD1 c.6185A>T (p.Gln2062Leu) results in a non-conservative amino acid change in the encoded protein sequence. Algorithms developed to predict the effect of missense changes on protein structure and function are either unavailable or do not agree on the potential impact of this missense change. The variant allele was found at a frequency of 0.00014 in 243650 control chromosomes. This frequency is not significantly higher than estimated for disease-causing variants in PKD1, allowing no conclusion about variant significance. To our knowledge, no occurrence of c.6185A>T in individuals affected with PKD1-related conditions and no experimental evidence demonstrating its impact on protein function have been reported. ClinVar contains an entry for this variant (Variation ID: 993655). Based on the evidence outlined above, the variant was classified as uncertain significance.

Ambry Genetics
Classification: Uncertain significance for Inborn genetic diseases. Last evaluated: 2025-09-25. Review status: criteria provided, single submitter. Criteria: Ambry Variant Classification Scheme 2023. Collection method: clinical testing. Allele origin: germline.

Blueprint Genetics
Classification: Likely benign. Last evaluated: 2024-11-20. Review status: criteria provided, single submitter. Criteria: ACMG Guidelines, 2015. Collection method: clinical testing. Allele origin: germline.

CeGaT Center for Human Genetics Tuebingen
Classification: Likely benign. Last evaluated: 2022-08-01. Review status: criteria provided, single submitter. Criteria: CeGaT Center For Human Genetics Tuebingen Variant Classification Criteria Version 2. Collection method: clinical testing. Allele origin: germline. Affected: yes. Observed: 2 variant alleles.
Comment: PKD1: BP4

ARUP Laboratories, Molecular Genetics and Genomics, ARUP Laboratories
Classification: Uncertain significance for Polycystic kidney disease, adult type. Last evaluated: 2020-02-24. Review status: criteria provided, single submitter. Criteria: ARUP Molecular Germline Variant Investigation Process. Collection method: clinical testing. Allele origin: germline.
Comment: The PKD1 c.6185A>T; p.Gln2062Leu variant (rs201062488), to our knowledge, is not reported in the medical literature but is reported in the ADPKD mutation database (see link). This variant is found in the general population with an overall allele frequency of 0.013% (37/275036 alleles) in the Genome Aggregation Database. The glutamine at codon 2062 is moderately conserved, and computational analyses (SIFT, PolyPhen-2) predict that this variant is tolerated. Due to limited information, the clinical significance of the p.Gln2062Leu variant is uncertain at this time. References: Link to ADPKD mutation database

Breakthrough Genomics
Classification: Uncertain significance. Review status: criteria provided, single submitter. Criteria: ACMG Guidelines, 2015. Collection method: not provided. Allele origin: germline. Inheritance: Autosomal dominant inheritance. Affected: yes.

Department of Pathology and Laboratory Medicine, Sinai Health System
Classification: Uncertain significance for Polycystic Kidney disease. Review status: no assertion criteria provided. Collection method: clinical testing. Allele origin: unknown. Affected: yes. Study: The Canadian Open Genetics Repository (COGR). Not counted in ClinVar's aggregate classification.
Comment: The PKD1 p.Gln2062Leu variant was not identified in the literature nor was it identified in the ClinVar, LOVD 3.0 or PKD1-LOVD databases. The variant was identified in dbSNP (ID: rs201062488) as "NA" and in the ADPKD Mutation Database (classified as likely neutral). The variant was also identified in control databases in 38 of 271104 chromosomes at a frequency of 0.0001 (Genome Aggregation Database Feb 27, 2017). It was observed in the following populations: African in 2 of 23188 chromosomes (freq: 0.00009), Other in 1 of 6332 chromosomes (freq: 0.0002), Latino in 2 of 34286 chromosomes (freq: 0.00006), European in 32 of 122784 chromosomes (freq: 0.0003), and Finnish in 1 of 25112 chromosomes (freq: 0.00004), while the variant was not observed in the Ashkenazi Jewish, East Asian, or South Asian populations. However, we cannot be certain that data from control databases is specific to PKD1 and not from one of the six PKD1 pseudogenes. The p.Gln2062Leu residue is not conserved in mammals and four out of five computational analyses (PolyPhen-2, SIFT, AlignGVGD, BLOSUM, MutationTaster) do not suggest a high likelihood of impact to the protein; however, this information is not predictive enough to rule out pathogenicity. The variant occurs outside of the splicing consensus sequence and in silico or computational prediction software programs (SpliceSiteFinder, MaxEntScan, NNSPLICE, GeneSplicer, Human Splicing Finder) do not predict a difference in splicing. In summary, based on the above information the clinical significance of this variant cannot be determined with certainty at this time. This variant is classified as a variant of uncertain significance.